The following is an entry in ClinVar:

NM_182943.3(PLOD2):c.1943G>C (p.Arg648Pro)

Gene: PLOD2 (procollagen-lysine,2-oxoglutarate 5-dioxygenase 2; minus strand). Cytogenetic location: 3q24.
Variant type: single nucleotide variant.
Coding change: c.1943G>C on transcript NM_182943.3 (MANE Select); coding-DNA position 1943, G replaced by C.
Protein change: p.Arg648Pro; replaces arginine 648 with proline.
Molecular consequence: missense variant.
Genome position (GRCh38, 1-based): chr3:146,071,329, C>G on the plus strand (G>C on the coding strand, the complement: PLOD2 is on the minus strand). VCF-style: chr3-146071329-C-G. GRCh37 (hg19) VCF-style: chr3-145789116-C-G.
Other names: c.1880G>C, p.Arg627Pro (NM_000935.3); short protein forms R627P, R648P.
Identifiers: ClinVar variation 3769394 (VCV003769394.2).

ClinVar aggregate classification (germline): Uncertain significance (1 of 4 stars; one submission).

gnomAD v4.1: 2 of 1,612,154 alleles (0.00012%); highest among the groups gnomAD compares: South Asian, 0.0011%; no homozygotes.

Submission:

Women's Health and Genetics/Laboratory Corporation of America, LabCorp
Classification: Uncertain significance. Last evaluated: 2025-01-27. Review status: criteria provided, single submitter. Criteria: LabCorp Variant Classification Summary - May 2015. Collection method: clinical testing. Allele origin: germline.
Comment: Variant summary: PLOD2 c.1943G>C (p.Arg648Pro) results in a non-conservative amino acid change located in the Prolyl 4-hydroxylase, alpha subunit (IPR006620) of the encoded protein sequence. Four of five in-silico tools predict a damaging effect of the variant on protein function. The variant was absent in 250598 control chromosomes. c.1943G>C has been reported in the literature in a homozygous individual affected with Bruck syndrome (Otaify_2022). These data indicate that the variant may be associated with disease. To our knowledge, no experimental evidence demonstrating an impact on protein function has been reported. The following publication has been ascertained in the context of this evaluation (PMID: 35278031). No submitters have cited clinical-significance assessments for this variant to ClinVar. Based on the evidence outlined above, the variant was classified as VUS-possibly pathogenic.

Literature cited by the submitters: PubMed 35278031.